The following is an entry in ClinVar:

NM_004369.4(COL6A3):c.7375C>T (p.Arg2459Trp)

Gene: COL6A3 (collagen type VI alpha 3 chain; minus strand). Cytogenetic location: 2q37.3.
Variant type: single nucleotide variant.
Coding change: c.7375C>T on transcript NM_004369.4 (MANE Select); coding-DNA position 7375, C replaced by T.
Protein change: p.Arg2459Trp; replaces arginine 2459 with tryptophan.
Molecular consequence: missense variant.
Genome position (GRCh38, 1-based): chr2:237,344,643, G>A on the plus strand (C>T on the coding strand, the complement: COL6A3 is on the minus strand). VCF-style: chr2-237344643-G-A. GRCh37 (hg19) VCF-style: chr2-238253286-G-A.
Other names: c.5554C>T, p.Arg1852Trp (NM_057166.5); c.6757C>T, p.Arg2253Trp (NM_057167.4); short protein forms R2459W, R2253W, R1852W.
Identifiers: ClinVar variation 284557 (VCV000284557.20), dbSNP rs371066956, ClinGen allele CA2187814.

ClinVar aggregate classification (germline): Uncertain significance. Review status: criteria provided, multiple submitters, no conflicts (2 of 4 stars). 7 submissions from 7 submitters: Uncertain significance (7). Last evaluated 2026-03-05.

Conditions:
COL6A3-related disorder. Also called: COL6A3-related condition; COL6A3-related disorders.
Bethlem myopathy 1A. Also called: MYOPATHY, BENIGN CONGENITAL, WITH CONTRACTURES; Bethlem myopathy 1; Bethlem Muscular Dystrophy. Identifiers: Orphanet 610, MedGen CN029274, MONDO:0024530, OMIM 158810.
Bethlem myopathy 1C (BTHLM1C). Identifiers: MedGen C5935581, MONDO:0958234, OMIM 620726.

Allele frequency attached by ClinVar (database versions not stated): ESP Exome Variant Server 0.00023; ExAC 0.00005; gnomAD exomes 0.00006; gnomAD 0.00008 and 0.00009; TOPMed 0.00008.
gnomAD v4.1: 82 of 1,613,798 alleles (0.0051%); highest among the groups gnomAD compares: Middle Eastern, 0.016%; no homozygotes.

Submissions (7):

Mendelics
Classification: Uncertain significance for Bethlem myopathy 1C. Last evaluated: 2026-03-05. Review status: criteria provided, single submitter. Criteria: ACMG Guidelines, 2015. Collection method: clinical testing. Allele origin: unknown.
Comment: The available evidence is insufficient to conclusively determine the role of this variant. Therefore, it is classified as a Variant of Uncertain Significance.

Labcorp Genetics (formerly Invitae), Labcorp
Classification: Uncertain significance for Bethlem myopathy 1A. Last evaluated: 2025-09-08. Review status: criteria provided, single submitter. Criteria: Invitae Variant Classification Sherloc (09022015). Collection method: clinical testing. Allele origin: germline.
Comment: This sequence change replaces arginine, which is basic and polar, with tryptophan, which is neutral and slightly polar, at codon 2459 of the COL6A3 protein (p.Arg2459Trp). This variant is present in population databases (rs371066956, gnomAD 0.007%). This missense change has been observed in individual(s) with clinical features of COL6A3-related conditions (PMID: 30564623, 31069529). ClinVar contains an entry for this variant (Variation ID: 284557). Invitae Evidence Modeling of protein sequence and biophysical properties (such as structural, functional, and spatial information, amino acid conservation, physicochemical variation, residue mobility, and thermodynamic stability) indicates that this missense variant is expected to disrupt COL6A3 protein function with a positive predictive value of 80%. In summary, the available evidence is currently insufficient to determine the role of this variant in disease. Therefore, it has been classified as a Variant of Uncertain Significance.

Dasa
Classification: Uncertain significance. Last evaluated: 2025-08-09. Review status: criteria provided, single submitter. Criteria: DASA Assertion Criteria. Collection method: clinical testing. Allele origin: germline.
Comment: NM_004369.4(COL6A3):c.7375C>T (p.Arg2459Trp) is a missense variant that results in the substitution of arginine with tryptophan. This variant has been reported in individuals with COL6A3-related disorders. Also, this variant is rare in population databases. The currently available literature and clinical evidence are not sufficient to establish a definitive association between this variant and the reported condition. Therefore, this variant is classified as a variant of uncertain significance.

PreventionGenetics, part of Exact Sciences
Classification: Uncertain significance for COL6A3-related condition. Last evaluated: 2025-07-08. Review status: criteria provided, single submitter. Criteria: ACMG Guidelines, 2015. Collection method: clinical testing. Allele origin: germline.
Comment: The COL6A3 c.7375C>T variant is predicted to result in the amino acid substitution p.Arg2459Trp. This variant was reported in an individual with limb girdle muscular dystrophy (Table S7 in Nallamilli et al. 2018. PubMed ID: 30564623) and reported as a variant of uncertain significance in a cohort of patients with neurological disorders (Table S6 in Ganapathy et al. 2019. PubMed ID: 31069529). This variant is reported in 0.0065% of alleles in individuals of South Asian descent in gnomAD. In addition, a different variant impacting the same amino acid (p.Arg2459Gln) has been reported in an individual with girdle muscular dystrophy (Table S7 in Nallamilli et al. 2018. PubMed ID: 30564623). At this time, the clinical significance of the c.7375C>T (p.Arg2459Trp) variant is uncertain due to the absence of conclusive functional and genetic evidence.

Revvity Omics, Revvity
Classification: Uncertain significance. Last evaluated: 2024-12-09. Review status: criteria provided, single submitter. Criteria: ACMG Guidelines, 2015. Collection method: clinical testing. Allele origin: germline.

GeneDx
Classification: Uncertain significance. Last evaluated: 2023-11-17. Review status: criteria provided, single submitter. Criteria: GeneDx Variant Classification Process June 2021. Collection method: clinical testing. Allele origin: germline. Affected: yes.
Comment: In silico analysis supports that this missense variant has a deleterious effect on protein structure/function; This variant is associated with the following publications: (PMID: 31069529, 30564623)

Eurofins Ntd Llc (ga)
Classification: Uncertain significance. Last evaluated: 2017-08-25. Review status: criteria provided, single submitter. Criteria: EGL Classification Definitions 2015. Collection method: clinical testing. Allele origin: germline. Observed: 4 variant alleles, 4 heterozygotes.

Literature cited by the submitters: PubMed 30564623 (cited by Labcorp Genetics (formerly Invitae), Labcorp); PubMed 31069529 (cited by Labcorp Genetics (formerly Invitae), Labcorp).